The following is an entry in ClinVar:

ClinVar aggregate classification (germline): Uncertain significance (1 of 4 stars; one submission).

Conditions:
Autosomal recessive limb-girdle muscular dystrophy type 2J (LGMDR10). Also called: Limb-girdle muscular dystrophy, type 2J; MUSCULAR DYSTROPHY, LIMB-GIRDLE, AUTOSOMAL RECESSIVE 10. Identifiers: Orphanet 140922, MedGen C1837342, MONDO:0012127, OMIM 608807.

Allele frequency attached by ClinVar (database versions not stated): TOPMed below 0.00001; gnomAD 0.00001; gnomAD exomes 0.00001.
gnomAD v4.1: 10 of 1,612,882 alleles (0.00062%); highest among the groups gnomAD compares: African/African-American, 0.0013%; no homozygotes.

Submission:

Baylor Genetics
Classification: Uncertain significance for Autosomal recessive limb-girdle muscular dystrophy type 2J. Last evaluated: 2020-10-26. Review status: criteria provided, single submitter. Criteria: ACMG Guidelines, 2015. Collection method: clinical testing. Allele origin: unknown. Affected: yes.
Comment: This variant was determined to be of uncertain significance according to ACMG Guidelines, 2015 [PMID:25741868].

NM_001267550.2(TTN):c.28132C>T (p.Pro9378Ser)

Gene: TTN (titin; minus strand). Cytogenetic location: 2q31.2.
Variant type: single nucleotide variant.
Coding change: c.28132C>T on transcript NM_001267550.2 (MANE Select); coding-DNA position 28132, C replaced by T.
Protein change: p.Pro9378Ser; replaces proline 9378 with serine.
Molecular consequence: missense variant. On other transcripts: intron variant (3).
Genome position (GRCh38, 1-based): chr2:178,711,104, G>A on the plus strand (C>T on the coding strand, the complement: TTN is on the minus strand). VCF-style: chr2-178711104-G-A. GRCh37 (hg19) VCF-style: chr2-179575831-G-A.
Other names: c.27181C>T, p.Pro9061Ser (NM_001256850.1); c.24400C>T, p.Pro8134Ser (NM_133378.4); c.13282+26978C>T (NM_003319.4); c.13858+26978C>T (NM_133437.4); c.13657+26978C>T (NM_133432.3); short protein forms P8134S, P9061S, P9378S.
Identifiers: ClinVar variation 1030139 (VCV001030139.1), dbSNP rs879082824, ClinGen allele CA60964328.
Genomic context (GRCh38, chr2:178,711,104, plus strand): 5'-GTTTAAGAATCCACAAACCTGTGAGAATGAGCCTGGCACTGGAAGAAGCAGAGCCTATAG[G>A]GTTTGTAGCTGTGCAGGAATACTGGCCTGCAAGGCTCCGGTCAGTTTTAAAAATATTGAG-3'
Protein context (NP_001254479.2, residues 9368-9388): AGQYSCTATN[Pro9378Ser]IGSASSSARL